The following is an entry in ClinVar:

NM_198503.5(KCNT2):c.1199T>C (p.Ile400Thr)

Gene: KCNT2 (potassium sodium-activated channel subfamily T member 2; minus strand). Cytogenetic location: 1q31.3.
Variant type: single nucleotide variant.
Coding change: c.1199T>C on transcript NM_198503.5 (MANE Select); coding-DNA position 1199, T replaced by C.
Protein change: p.Ile400Thr; replaces isoleucine 400 with threonine.
Molecular consequence: missense variant. On other transcripts: non-coding transcript variant (2).
Genome position (GRCh38, 1-based): chr1:196,398,658, A>G on the plus strand (T>C on the coding strand, the complement: KCNT2 is on the minus strand). VCF-style: chr1-196398658-A-G. GRCh37 (hg19) VCF-style: chr1-196367788-A-G.
Other names: c.1199T>C, p.Ile400Thr (NM_001287819.3, NM_001287820.3); short protein forms I400T.
Identifiers: ClinVar variation 4975279 (VCV004975279.1).

ClinVar aggregate classification (germline): Uncertain significance (1 of 4 stars; one submission).

gnomAD v4.1: 6 of 1,595,034 alleles (0.00038%); highest among the groups gnomAD compares: Non-Finnish European, 0.00052%; no homozygotes.

Submission:

GeneDx
Classification: Uncertain significance. Last evaluated: 2026-01-22. Review status: criteria provided, single submitter. Criteria: GeneDx Variant Classification Process June 2021. Collection method: clinical testing. Allele origin: germline.
Comment: Not observed at significant frequency in large population cohorts (gnomAD); In silico analysis supports that this missense variant has a deleterious effect on protein structure/function; Has not been previously published as pathogenic or benign to our knowledge